The following is an entry in ClinVar:

ClinVar aggregate classification (germline): Pathogenic (1 of 4 stars; one submission).

Conditions:
Meckel-Gruber syndrome. Also called: DYSENCEPHALIA SPLANCHNOCYSTICA; GRUBER SYNDROME; Dysencephalia splachnocystica. Identifiers: Orphanet 564, MedGen C0265215, MONDO:0018921.
Joubert syndrome. Also called: CEREBELLOPARENCHYMAL DISORDER IV; JOUBERT-BOLTSHAUSER SYNDROME; Familial aplasia of the vermis. Identifiers: Orphanet 475, MedGen C5979921, MONDO:0018772.
Nephronophthisis. Also called: Juvenile Nephronophthisis. Identifiers: Orphanet 655, MedGen C0687120, MONDO:0019005, HP:0000090.

Submission:

Labcorp Genetics (formerly Invitae), Labcorp
Classification: Pathogenic for Joubert syndrome; Meckel-Gruber syndrome; Nephronophthisis. Last evaluated: 2022-09-07. Review status: criteria provided, single submitter. Criteria: Invitae Variant Classification Sherloc (09022015). Collection method: clinical testing. Allele origin: germline.
Comment: This sequence change creates a premature translational stop signal (p.Arg1978Phefs*16) in the CEP290 gene. It is expected to result in an absent or disrupted protein product. Loss-of-function variants in CEP290 are known to be pathogenic (PMID: 16909394, 17345604, 20690115). This variant is not present in population databases (gnomAD no frequency). This premature translational stop signal has been observed in individual(s) with CEP290-related conditions (Invitae). ClinVar contains an entry for this variant (Variation ID: 461786). For these reasons, this variant has been classified as Pathogenic.

Literature cited by the submitters: PubMed 16909394; PubMed 17345604; PubMed 20690115.

NM_025114.4(CEP290):c.5931_5935del (p.Arg1978fs)

Gene: CEP290 (centrosomal protein 290; minus strand). Cytogenetic location: 12q21.32.
Variant type: Deletion.
Coding change: c.5931_5935del on transcript NM_025114.4 (MANE Select); coding-DNA positions 5931 to 5935, 5 bases deleted (ACGAG; older notation c.5931_5935delACGAG).
Protein change: p.Arg1978fs; shifts the reading frame from arginine 1978.
Molecular consequence: frameshift variant.
Genome position (GRCh38, 1-based): chr12:88,071,370-88,071,374, CTCGT deleted on the plus strand (ACGAG on the coding strand, the reverse complement: CEP290 is on the minus strand). VCF-style (leftmost placement, unchanged base first): chr12-88071369-GCTCGT-G. GRCh37 (hg19) VCF-style: chr12-88465146-GCTCGT-G.
Other names: c.5931_5935delACGAG (NM_025114.3); short protein forms R1978fs.
Identifiers: ClinVar variation 461786 (VCV000461786.10), dbSNP rs1555201796, ClinGen allele CA658656310.